The following is an entry in ClinVar:

ClinVar aggregate classification (germline): Uncertain significance. Review status: criteria provided, multiple submitters, no conflicts (2 of 4 stars). 2 submissions from 2 submitters: Uncertain significance (2). Last evaluated 2024-05-13.

Conditions:
Sucrase-isomaltase deficiency (CSID). Also called: Deficiency of isomaltase; Congenital sucrose isomaltose malabsorption; Sucrose isomaltose enzyme deficiency; SI DEFICIENCY. Identifiers: Orphanet 35122, MedGen C1283620, MONDO:0009114, OMIM 222900.

Allele frequency attached by ClinVar (database versions not stated): ExAC 0.00001; gnomAD 0.00001; TOPMed 0.00001; gnomAD exomes 0.00002.
gnomAD v4.1: 39 of 1,612,524 alleles (0.0024%); highest among the groups gnomAD compares: Non-Finnish European, 0.0029%; no homozygotes.

Submissions (2):

Fulgent Genetics
Classification: Uncertain significance for Sucrase-isomaltase deficiency. Last evaluated: 2024-05-13. Review status: criteria provided, single submitter. Criteria: ACMG Guidelines, 2015. Collection method: clinical testing. Allele origin: germline.

Labcorp Genetics (formerly Invitae), Labcorp
Classification: Uncertain significance. Last evaluated: 2024-01-25. Review status: criteria provided, single submitter. Criteria: Invitae Variant Classification Sherloc (09022015). Collection method: clinical testing. Allele origin: germline.
Comment: This sequence change replaces threonine, which is neutral and polar, with alanine, which is neutral and non-polar, at codon 1206 of the SI protein (p.Thr1206Ala). This variant is present in population databases (rs763245932, gnomAD 0.002%). This variant has not been reported in the literature in individuals affected with SI-related conditions. Advanced modeling of protein sequence and biophysical properties (such as structural, functional, and spatial information, amino acid conservation, physicochemical variation, residue mobility, and thermodynamic stability) has been performed at Invitae for this missense variant, however the output from this modeling did not meet the statistical confidence thresholds required to predict the impact of this variant on SI protein function. In summary, the available evidence is currently insufficient to determine the role of this variant in disease. Therefore, it has been classified as a Variant of Uncertain Significance.

NM_001041.4(SI):c.3616A>G (p.Thr1206Ala)

Gene: SI (sucrase-isomaltase; minus strand). Cytogenetic location: 3q26.1.
Variant type: single nucleotide variant.
Coding change: c.3616A>G on transcript NM_001041.4 (MANE Select); coding-DNA position 3616, A replaced by G.
Protein change: p.Thr1206Ala; replaces threonine 1206 with alanine.
Molecular consequence: missense variant.
Genome position (GRCh38, 1-based): chr3:165,017,778, T>C on the plus strand (A>G on the coding strand, the complement: SI is on the minus strand). VCF-style: chr3-165017778-T-C. GRCh37 (hg19) VCF-style: chr3-164735566-T-C.
Other names: short protein forms T1206A.
Identifiers: ClinVar variation 2892066 (VCV002892066.2), dbSNP rs763245932, ClinGen allele CA2690203.